The following is an entry in ClinVar:

NM_004646.4(NPHS1):c.2021C>T (p.Pro674Leu)

Gene: NPHS1 (NPHS1 adhesion molecule, nephrin; minus strand). Cytogenetic location: 19q13.12.
Variant type: single nucleotide variant.
Coding change: c.2021C>T on transcript NM_004646.4 (MANE Select); coding-DNA position 2021, C replaced by T.
Protein change: p.Pro674Leu; replaces proline 674 with leucine.
Molecular consequence: missense variant.
Genome position (GRCh38, 1-based): chr19:35,844,369, G>A on the plus strand (C>T on the coding strand, the complement: NPHS1 is on the minus strand). VCF-style: chr19-35844369-G-A. GRCh37 (hg19) VCF-style: chr19-36335271-G-A.
Other names: short protein forms P674L.
Identifiers: ClinVar variation 2637927 (VCV002637927.2), dbSNP rs2513771917, ClinGen allele CA405397879.

ClinVar aggregate classification (germline): Conflicting classifications of pathogenicity. Review status: criteria provided, conflicting classifications (1 of 4 stars). 2 submissions from 2 submitters: Pathogenic (1); Uncertain significance (1). Last evaluated 2026-08-06.

Conditions:
Finnish congenital nephrotic syndrome (NPHS1). Also called: NEPHROTIC SYNDROME, TYPE 1. Identifiers: Orphanet 839, MedGen C0403399, MONDO:0009732, OMIM 256300.

Submissions (2):

Myriad Genetics, Inc.
Classification: Uncertain significance for Finnish congenital nephrotic syndrome. Last evaluated: 2026-08-06. Review status: criteria provided, single submitter. Criteria: Myriad Autosomal Dominant, Autosomal Recessive and X-Linked Classification Criteria (2023). Collection method: clinical testing. Allele origin: unknown.
Comment: NM_004646.3(NPHS1):c.2021C>T(P674L) is a missense variant classified as a variant of uncertain significance in the context of nephrotic syndrome, NPHS1-related. P674L has not been observed in cases with relevant disease. Relevant functional assessments of this variant are not available in the literature. P674L has not been observed in referenced population frequency databases. In summary, there is insufficient evidence to classify NM_004646.3(NPHS1):c.2021C>T(P674L) as pathogenic or benign. Please note: this variant was assessed in the context of healthy population screening.

Vasylyeva lab, Texas Tech University Health Sciences Center
Classification: Pathogenic for Finnish congenital nephrotic syndrome. Review status: criteria provided, single submitter. Criteria: ACMG Guidelines, 2015. Collection method: clinical testing. Allele origin: unknown. Affected: yes.

Literature cited by the submitters: PubMed 33893808 (cited by Vasylyeva lab, Texas Tech University Health Sciences Center).